The following is an entry in ClinVar:

NM_000292.3(PHKA2):c.2443G>A (p.Gly815Ser)

Gene: PHKA2 (phosphorylase kinase regulatory subunit alpha 2; minus strand). Cytogenetic location: Xp22.13.
Variant type: single nucleotide variant.
Coding change: c.2443G>A on transcript NM_000292.3 (MANE Select); coding-DNA position 2443, G replaced by A.
Protein change: p.Gly815Ser; replaces glycine 815 with serine.
Molecular consequence: missense variant.
Genome position (GRCh38, 1-based): chrX:18,907,974, C>T on the plus strand (G>A on the coding strand, the complement: PHKA2 is on the minus strand). VCF-style: chrX-18907974-C-T. GRCh37 (hg19) VCF-style: chrX-18926092-C-T.
Other names: short protein forms G815S.
Identifiers: ClinVar variation 1006808 (VCV001006808.9), dbSNP rs747280022, ClinGen allele CA10361638.

ClinVar aggregate classification (germline): Uncertain significance. Review status: criteria provided, multiple submitters, no conflicts (2 of 4 stars). 2 submissions from 2 submitters: Uncertain significance (2). Last evaluated 2024-08-19.

Conditions:
Glycogen storage disease IXa1. Also called: GLYCOGEN STORAGE DISEASE VIII; GSD VIII; Glycogen storage disease 8; LIVER GLYCOGENOSIS, X-LINKED, TYPE I. Identifiers: Orphanet 264580, MedGen C3694531, MONDO:0010598, OMIM 306000.

Allele frequency attached by ClinVar (database versions not stated): TOPMed below 0.00001; ExAC 0.00001; gnomAD 0.00001; gnomAD exomes 0.00001 and 0.00003.
gnomAD v4.1: 34 of 1,209,345 alleles (0.0028%); highest among the groups gnomAD compares: East Asian, 0.0059%; no homozygotes.

Submissions (2):

Women's Health and Genetics/Laboratory Corporation of America, LabCorp
Classification: Uncertain significance. Last evaluated: 2024-08-19. Review status: criteria provided, single submitter. Criteria: LabCorp Variant Classification Summary - May 2015. Collection method: clinical testing. Allele origin: germline.
Comment: Variant summary: PHKA2 c.2443G>A (p.Gly815Ser) results in a non-conservative amino acid change located in the GH15-like domain (IPR011613) of the encoded protein sequence. Four of five in-silico tools predict a damaging effect of the variant on protein function. The variant allele was found at a frequency of 1.1e-05 in 183529 control chromosomes. The available data on variant occurrences in the general population are insufficient to allow any conclusion about variant significance. c.2443G>A has been reported in the literature in at least one hemizygous male affected with Glycogen Phosphorylase Kinase Deficiency type IXa (e.g. Tagliaferri_2022). These data do not currently allow any conclusion about variant significance. To our knowledge, no experimental evidence demonstrating an impact on protein function has been reported. The following publication has been ascertained in the context of this evaluation (PMID: 35854365). ClinVar contains an entry for this variant (Variation ID: 1006808). Based on the evidence outlined above, the variant was classified as uncertain significance.

Labcorp Genetics (formerly Invitae), Labcorp
Classification: Uncertain significance for Glycogen storage disease IXa1. Last evaluated: 2020-09-15. Review status: criteria provided, single submitter. Criteria: Invitae Variant Classification Sherloc (09022015). Collection method: clinical testing. Allele origin: germline.
Comment: In summary, the available evidence is currently insufficient to determine the role of this variant in disease. Therefore, it has been classified as a Variant of Uncertain Significance. Algorithms developed to predict the effect of missense changes on protein structure and function are either unavailable or do not agree on the potential impact of this missense change (SIFT: "Tolerated"; PolyPhen-2: "Probably Damaging"; Align-GVGD: "Class C0"). This variant has not been reported in the literature in individuals with PHKA2-related conditions. This variant is present in population databases (rs747280022, ExAC 0.002%). This sequence change replaces glycine with serine at codon 815 of the PHKA2 protein (p.Gly815Ser). The glycine residue is moderately conserved and there is a small physicochemical difference between glycine and serine.

Literature cited by the submitters: PubMed 35854365 (cited by Women's Health and Genetics/Laboratory Corporation of America, LabCorp).